The following is an entry in ClinVar:

NM_001127222.2(CACNA1A):c.3914G>T (p.Gly1305Val)

Genes: CACNA1A (calcium voltage-gated channel subunit alpha1 A; minus strand), LOC126862865 (CDK7 strongly-dependent group 2 enhancer GRCh37_chr19:13385818-13387017; plus strand). Cytogenetic location: 19p13.13.
Variant type: single nucleotide variant.
Coding change: c.3914G>T on transcript NM_001127222.2 (MANE Select); coding-DNA position 3914, G replaced by T.
Protein change: p.Gly1305Val; replaces glycine 1305 with valine.
Molecular consequence: missense variant.
Genome position (GRCh38, 1-based): chr19:13,275,925, C>A on the plus strand (G>T on the coding strand, the complement: CACNA1A is on the minus strand). VCF-style: chr19-13275925-C-A. GRCh37 (hg19) VCF-style: chr19-13386739-C-A.
Other names: c.3926G>T, p.Gly1309Val (NM_000068.4, NM_023035.3); c.3917G>T, p.Gly1306Val (NM_001127221.2, NM_001174080.2); short protein forms G1305V, G1306V, G1309V.
Identifiers: ClinVar variation 2576856 (VCV002576856.3), dbSNP rs2512810889, ClinGen allele CA404340293.

ClinVar aggregate classification (germline): Uncertain significance. Review status: criteria provided, multiple submitters, no conflicts (2 of 4 stars). 2 submissions from 2 submitters: Uncertain significance (2). Last evaluated 2025-12-12.

Conditions:
Inborn genetic diseases. Identifiers: MedGen C0950123, MeSH D030342.

Submissions (2):

GeneDx
Classification: Uncertain significance. Last evaluated: 2025-12-12. Review status: criteria provided, single submitter. Criteria: GeneDx Variant Classification Process June 2021. Collection method: clinical testing. Allele origin: germline.
Comment: Identified in a patient with generalized epilepsy in published literature (PMID: 31554424); Not observed at significant frequency in large population cohorts (gnomAD); In silico analysis supports that this missense variant has a deleterious effect on protein structure/function; This variant is associated with the following publications: (PMID: 31554424)

Ambry Genetics
Classification: Uncertain significance for Inborn genetic diseases. Last evaluated: 2025-04-03. Review status: criteria provided, single submitter. Criteria: Ambry Variant Classification Scheme 2023. Collection method: clinical testing. Allele origin: germline.
Comment: The c.3917G>T (p.G1306V) alteration is located in exon 24 (coding exon 24) of the CACNA1A gene. This alteration results from a G to T substitution at nucleotide position 3917, causing the glycine (G) at amino acid position 1306 to be replaced by a valine (V). for CACNA1A-related neurologic disorders; however, it is unlikely to be causative of CACNA1A-related spinocerebellar ataxia. This variant was not reported in population-based cohorts in the Genome Aggregation Database (gnomAD). This variant was reported in an individual with generalized epilepsy (Hoelz, 2020). This amino acid position is highly conserved in available vertebrate species. This missense alteration is located in a region that has a low rate of benign missense variation (Lek, 2016; Firth, 2009). This alteration is predicted to be deleterious by in silico analysis. Based on insufficient or conflicting evidence, the clinical significance of this alteration remains unclear.

Literature cited by the submitters: PubMed 31554424 (cited by Ambry Genetics).